The following is an entry in ClinVar:

NM_000540.3(RYR1):c.10476A>G (p.Glu3492=)

Gene: RYR1 (ryanodine receptor 1; plus strand). Cytogenetic location: 19q13.2.
Variant type: single nucleotide variant.
Coding change: c.10476A>G on transcript NM_000540.3 (MANE Select); coding-DNA position 10476, A replaced by G.
Protein change: p.Glu3492=; no amino-acid change (glutamic acid 3492 retained).
Molecular consequence: synonymous variant.
Genome position (GRCh38, 1-based): chr19:38,525,352, A>G. VCF-style: chr19-38525352-A-G. GRCh37 (hg19) VCF-style: chr19-39015992-A-G.
Other names: c.10461A>G, p.Glu3487= (NM_001042723.2).
Identifiers: ClinVar variation 1124852 (VCV001124852.11), dbSNP rs767496164, ClinGen allele CA053806.
Genomic context (GRCh38, chr19:38,525,352, plus strand): 5'-ATTGGGGCTTGGGCTGGTGCTGAGCCCTGTGTCCCCACAGTCCGGTGGCTCGGACCAGGA[A>G]CGCACCAAGAAGAAGCGCCGGGGGGACCGGTACTCTGTGCAGACGTCACTGATCGTGGCC-3'
Protein context (NP_000531.2, residues 3482-3502): GDIQSGGSDQ[Glu3492=]RTKKKRRGDR

ClinVar aggregate classification (germline): Likely benign. Review status: criteria provided, multiple submitters, no conflicts (2 of 4 stars). 4 submissions from 4 submitters: Likely benign (4). Last evaluated 2025-09-08.

Conditions:
RYR1-related disorder. Also called: RYR1-related condition; RYR1-related disorders. Identifiers: MedGen CN239331.
Congenital multicore myopathy with external ophthalmoplegia (CMYO1B). Also called: Minicore myopathy with external ophthalmoplegia; Congenital myopathy 1B, autosomal recessive; Minicore myopathy; MULTIMINICORE DISEASE WITH EXTERNAL OPHTHALMOPLEGIA; MULTICORE MYOPATHY. Identifiers: Orphanet 598, Orphanet 98905, MedGen C1850674, MONDO:0009712, OMIM 255320, HP:0003789.
Central core myopathy (CMYO1A). Also called: Central core disease; Myopathy, central fibrillar; CONGENITAL MYOPATHY 1A, AUTOSOMAL DOMINANT, WITH SUSCEPTIBILITY TO MALIGNANT HYPERTHERMIA. Identifiers: Orphanet 597, MedGen C5830701, MONDO:0007294, OMIM 117000.
Malignant hyperthermia, susceptibility to, 1 (MHS1). Also called: Anesthesia related hyperthermia; Malignant hyperpyrexia; Fulminating hyperpyrexia; Pharmacogenic myopathy; Malignant hyperthermia suceptibility 1; RYR1-Related Malignant Hyperthermia Susceptibility. Identifiers: Orphanet 423, MedGen C2930980, MONDO:0007783, OMIM 145600.
Congenital myopathy with fiber type disproportion. Also called: Congenital fiber-type disproportion myopathy; Congenital fiber-type disproportion. Identifiers: Orphanet 2020, MedGen C0546264, MONDO:0009711. Inheritance: all.
King Denborough syndrome (KDS). Identifiers: MedGen C1840365, MONDO:0020485, OMIM 619542.

Allele frequency attached by ClinVar (database versions not stated): ExAC 0.00001; gnomAD exomes 0.00001; gnomAD 0.00007; TOPMed 0.00020.
gnomAD v4.1: 26 of 1,602,524 alleles (0.0016%); highest among the groups gnomAD compares: Admixed American, 0.027%; no homozygotes.

Submissions (4):

Labcorp Genetics (formerly Invitae), Labcorp
Classification: Likely benign for RYR1-related disorder. Last evaluated: 2025-09-08. Review status: criteria provided, single submitter. Criteria: Invitae Variant Classification Sherloc (09022015). Collection method: clinical testing. Allele origin: germline.

All of Us Research Program, National Institutes of Health
Classification: Likely benign for Malignant hyperthermia, susceptibility to, 1. Last evaluated: 2024-02-05. Review status: criteria provided, single submitter. Criteria: ACMG Guidelines, 2015. Collection method: clinical testing. Allele origin: germline. Inheritance: Autosomal dominant inheritance. Observed: 14 variant alleles, 14 heterozygotes.
Comment: This study involves interpretation of variants in research participants for the purpose of population health screening. Participant phenotype was not available at the time of variant classification. Additional details can be found in publication PMID: 35346344, PMCID: PMC8962531

Color Diagnostics, LLC DBA Color Health
Classification: Likely benign for Malignant hyperthermia, susceptibility to, 1. Last evaluated: 2022-11-06. Review status: criteria provided, single submitter. Criteria: ACMG Guidelines, 2015. Collection method: clinical testing. Allele origin: germline.

Fulgent Genetics
Classification: Likely benign for Central core myopathy; Malignant hyperthermia, susceptibility to, 1; Congenital myopathy 4A, autosomal dominant; Congenital multicore myopathy with external ophthalmoplegia; King Denborough syndrome. Last evaluated: 2021-09-08. Review status: criteria provided, single submitter. Criteria: ACMG Guidelines, 2015. Collection method: clinical testing. Allele origin: unknown.